The following is an entry in ClinVar:

NM_000159.4(GCDH):c.553_570del (p.Gly185_Ser190del)

Gene: GCDH (glutaryl-CoA dehydrogenase; plus strand). Cytogenetic location: 19p13.13.
Variant type: Deletion.
Coding change: c.553_570del on transcript NM_000159.4 (MANE Select); coding-DNA positions 553 to 570, 18 bases deleted (GGAAGTGACCCCAGCAGC).
Protein change: p.Gly185_Ser190del.
Molecular consequence: inframe deletion. On other transcripts: non-coding transcript variant (2).
Genome position (GRCh38, 1-based): chr19:12,896,039-12,896,056, GGAAGTGACCCCAGCAGC deleted; deleting any 18 consecutive bases within chr19:12,896,035-12,896,056 gives the same sequence; the c. name uses the placement nearest the transcript's 3' end. VCF-style (leftmost placement, unchanged base first): chr19-12896034-ACAGCGGAAGTGACCCCAG-A. GRCh37 (hg19) VCF-style: chr19-13006848-ACAGCGGAAGTGACCCCAG-A.
Other names: c.553_570del, p.Gly185_Ser190del (NM_013976.5).
Identifiers: ClinVar variation 801019 (VCV000801019.2), dbSNP rs1599614265, ClinGen allele CA915940257.
Genomic context (GRCh38, chr19:12,896,034, plus strand): 5'-TTTGTCTTGTGCCTGCAGCCAAGGGGGAGCTCCTGGGCTGCTTCGGGCTCACAGAGCCCA[ACAGCGGAAGTGACCCCAG>A]CAGCATGGAGACCAGAGCCCACTACAACTCATCCAACAAGAGCTACACCCTCAATGGGAC-3'

ClinVar aggregate classification (germline): not provided (0 of 4 stars; one submission).

Conditions:
Glutaric aciduria, type 1. Also called: Glutaric Acidemia Type 1; Glutaricacidemia Type 1; GA I; Glutaryl-CoA dehydrogenase deficiency; Glutaric acidemia type I; Glutaricaciduria, type I. Identifiers: Orphanet 25, MedGen C0268595, MONDO:0009281, OMIM 231670.

Submission:

GeneReviews
No classification provided. Condition: Glutaric aciduria, type 1. Review status: no classification provided. Collection method: literature only. Allele origin: germline.
Comment: Possible dominant-negative variant

Literature cited by the submitters: PubMed 22231382; PubMed 31536184.